The following is an entry in ClinVar:

ClinVar aggregate classification (germline): Uncertain significance (1 of 4 stars; one submission).

Allele frequency attached by ClinVar (database versions not stated): gnomAD exomes below 0.00001; ExAC 0.00001.
gnomAD v4.1: 1 of 1,613,472 alleles (0.000062%); highest among the groups gnomAD compares: Admixed American, 0.0017%; no homozygotes.

Submission:

Labcorp Genetics (formerly Invitae), Labcorp
Classification: Uncertain significance. Last evaluated: 2021-08-24. Review status: criteria provided, single submitter. Criteria: Invitae Variant Classification Sherloc (09022015). Collection method: clinical testing. Allele origin: germline.
Comment: This sequence change replaces alanine with valine at codon 177 of the MSH3 protein (p.Ala177Val). The alanine residue is moderately conserved and there is a small physicochemical difference between alanine and valine. This variant is present in population databases (rs778443399, ExAC 0.009%). This variant has not been reported in the literature in individuals with MSH3-related conditions. Algorithms developed to predict the effect of missense changes on protein structure and function (SIFT, PolyPhen-2, Align-GVGD) all suggest that this variant is likely to be tolerated, but these predictions have not been confirmed by published functional studies and their clinical significance is uncertain. In summary, the available evidence is currently insufficient to determine the role of this variant in disease. Therefore, it has been classified as a Variant of Uncertain Significance.

NM_002439.5(MSH3):c.530C>T (p.Ala177Val)

Gene: MSH3 (mutS homolog 3; plus strand). Cytogenetic location: 5q14.1.
Variant type: single nucleotide variant.
Coding change: c.530C>T on transcript NM_002439.5 (MANE Select); coding-DNA position 530, C replaced by T.
Protein change: p.Ala177Val; replaces alanine 177 with valine.
Molecular consequence: missense variant.
Genome position (GRCh38, 1-based): chr5:80,665,314, C>T. VCF-style: chr5-80665314-C-T. GRCh37 (hg19) VCF-style: chr5-79961133-C-T.
Other names: short protein forms A177V.
Identifiers: ClinVar variation 1484883 (VCV001484883.8), dbSNP rs778443399, ClinGen allele CA3327623.